The following is an entry in ClinVar:

ClinVar aggregate classification (germline): Conflicting classifications of pathogenicity. Review status: criteria provided, conflicting classifications (1 of 4 stars). 5 submissions from 5 submitters: Uncertain significance (1); Likely benign (3). 1 of the submissions does not count toward it. Last evaluated 2026-01-20.

Conditions:
AGL-related disorder. Also called: AGL-related condition.
Glycogen storage disease type III (GSD3). Also called: FORBES DISEASE; Cori disease. Identifiers: Orphanet 366, MedGen C0017922, MONDO:0009291, OMIM 232400.

Allele frequency attached by ClinVar (database versions not stated): gnomAD exomes 0.00003 and 0.00011; ExAC 0.00004; gnomAD 0.00005; TOPMed 0.00007.
gnomAD v4.1: 56 of 1,612,488 alleles (0.0035%); highest among the groups gnomAD compares: Admixed American, 0.04%; no homozygotes.

Submissions (5):

Labcorp Genetics (formerly Invitae), Labcorp
Classification: Likely benign for Glycogen storage disease type III. Last evaluated: 2026-01-20. Review status: criteria provided, single submitter. Criteria: Invitae Variant Classification Sherloc (09022015). Collection method: clinical testing. Allele origin: germline.

Blueprint Genetics
Classification: Likely benign. Last evaluated: 2024-06-21. Review status: criteria provided, single submitter. Criteria: ACMG Guidelines, 2015. Collection method: clinical testing. Allele origin: germline.

Genome-Nilou Lab
Classification: Likely benign for Glycogen storage disease type III. Last evaluated: 2021-07-15. Review status: criteria provided, single submitter. Criteria: ACMG Guidelines, 2015. Collection method: clinical testing. Allele origin: germline. Affected: no.

Illumina Laboratory Services, Illumina
Classification: Uncertain significance for Glycogen storage disease type III. Last evaluated: 2018-01-12. Review status: criteria provided, single submitter. Criteria: ICSL Variant Classification Criteria 13 December 2019. Collection method: clinical testing. Allele origin: germline.

PreventionGenetics, part of Exact Sciences
Classification: Likely benign for AGL-related condition. Last evaluated: 2019-04-12. Review status: no assertion criteria provided. Collection method: clinical testing. Allele origin: germline. Not counted in ClinVar's aggregate classification.
Comment: This variant is classified as likely benign based on ACMG/AMP sequence variant interpretation guidelines (Richards et al. 2015 PMID: 25741868, with internal and published modifications).

NM_000642.3(AGL):c.1065G>A (p.Thr355=)

Gene: AGL (amylo-alpha-1,6-glucosidase and 4-alpha-glucanotransferase; plus strand). Cytogenetic location: 1p21.2.
Variant type: single nucleotide variant.
Coding change: c.1065G>A on transcript NM_000642.3 (MANE Select); coding-DNA position 1065, G replaced by A.
Protein change: p.Thr355=; no amino-acid change (threonine 355 retained).
Molecular consequence: synonymous variant.
Genome position (GRCh38, 1-based): chr1:99,874,793, G>A. VCF-style: chr1-99874793-G-A. GRCh37 (hg19) VCF-style: chr1-100340349-G-A.
Other names: c.1065G>A, p.Thr355= (NM_000028.3, NM_000643.3, NM_000644.3 and 3 more transcripts); c.1017G>A, p.Thr339= (NM_000646.3); c.861G>A, p.Thr287= (NM_001425328.1, NM_001425329.1); c.687G>A, p.Thr229= (NM_001425332.1).
Identifiers: ClinVar variation 291330 (VCV000291330.21), dbSNP rs764914308, ClinGen allele CA966361.